The following is an entry in ClinVar:

ClinVar aggregate classification (germline): Uncertain significance (1 of 4 stars; one submission).

Submission:

GeneDx
Classification: Uncertain significance. Last evaluated: 2024-05-14. Review status: criteria provided, single submitter. Criteria: GeneDx Variant Classification Process June 2021. Collection method: clinical testing. Allele origin: germline. Affected: yes.
Comment: Not observed at significant frequency in large population cohorts (gnomAD); In silico analysis supports that this missense variant has a deleterious effect on protein structure/function; Has not been previously published as pathogenic or benign to our knowledge

NM_006186.4(NR4A2):c.871G>T (p.Val291Leu)

Gene: NR4A2 (nuclear receptor subfamily 4 group A member 2; minus strand). Cytogenetic location: 2q24.1.
Variant type: single nucleotide variant.
Coding change: c.871G>T on transcript NM_006186.4 (MANE Select); coding-DNA position 871, G replaced by T.
Protein change: p.Val291Leu; replaces valine 291 with leucine.
Molecular consequence: missense variant.
Genome position (GRCh38, 1-based): chr2:156,328,527, C>A on the plus strand (G>T on the coding strand, the complement: NR4A2 is on the minus strand). VCF-style: chr2-156328527-C-A. GRCh37 (hg19) VCF-style: chr2-157185039-C-A.
Other names: c.682G>T, p.Val228Leu (NM_173173.3); short protein forms V228L, V291L.
Identifiers: ClinVar variation 3377878 (VCV003377878.1).